The following is an entry in ClinVar:

NM_001039141.3(TRIOBP):c.3899A>G (p.His1300Arg)

Gene: TRIOBP (TRIO and F-actin binding protein; plus strand). Cytogenetic location: 22q13.1.
Variant type: single nucleotide variant.
Coding change: c.3899A>G on transcript NM_001039141.3 (MANE Select); coding-DNA position 3899, A replaced by G.
Protein change: p.His1300Arg; replaces histidine 1300 with arginine.
Molecular consequence: missense variant.
Genome position (GRCh38, 1-based): chr22:37,726,455, A>G. VCF-style: chr22-37726455-A-G. GRCh37 (hg19) VCF-style: chr22-38122462-A-G.
Other names: short protein forms H1300R.
Identifiers: ClinVar variation 286831 (VCV000286831.22), dbSNP rs739138, ClinGen allele CA10224250.
Genomic context (GRCh38, chr22:37,726,455, plus strand): 5'-GGAGGCTGGCCCAGAGACAGCCAGGGCCCCAGGCGCAGTGCAGCAGCGGGGGCCGCACCC[A>G]CAGCCCTGGCCGTGCAGAGGTGGAGCGCCTCTTCGGGCAAGAGCGCAGGTGAGCCCGGGG-3'
Protein context (NP_001034230.1, residues 1290-1310): QAQCSSGGRT[His1300Arg]SPGRAEVERL

ClinVar aggregate classification (germline): Benign. Review status: criteria provided, multiple submitters, no conflicts (2 of 4 stars). 8 submissions from 8 submitters: Benign (6). 2 of the submissions do not count toward it. Last evaluated 2026-02-04.

Conditions:
Autosomal recessive nonsyndromic hearing loss 28. Identifiers: Orphanet 90636, MedGen C1853276, MONDO:0012355, OMIM 609823.

Allele frequency attached by ClinVar (database versions not stated): TOPMed 0.58014; gnomAD 0.58971 and 0.60147; gnomAD exomes 0.72893 and 0.70364; ExAC 0.74120; ESP Exome Variant Server 0.63105; 1000 Genomes Project 30x 0.58979; 1000 Genomes Project 0.60104.
gnomAD v4.1: 1,117,594 of 1,561,442 alleles (72%); highest among the groups gnomAD compares: East Asian, 93%; 410,177 homozygotes.

Submissions (8):

Labcorp Genetics (formerly Invitae), Labcorp
Classification: Benign. Last evaluated: 2026-02-04. Review status: criteria provided, single submitter. Criteria: Invitae Variant Classification Sherloc (09022015). Collection method: clinical testing. Allele origin: germline.

Genome-Nilou Lab
Classification: Benign for Autosomal recessive nonsyndromic hearing loss 28. Last evaluated: 2021-09-10. Review status: criteria provided, single submitter. Criteria: ACMG Guidelines, 2015. Collection method: clinical testing. Allele origin: germline. Affected: no.

Mayo Clinic Laboratories, Mayo Clinic
Classification: Benign. Last evaluated: 2020-07-02. Review status: criteria provided, single submitter. Criteria: ACMG Guidelines, 2015. Collection method: clinical testing. Allele origin: germline. Observed: 147 variant alleles.

GeneDx
Classification: Benign. Last evaluated: 2017-05-09. Review status: criteria provided, single submitter. Criteria: GeneDx Variant Classification (06012015). Collection method: clinical testing. Allele origin: germline. Affected: yes.
Comment: This variant is considered likely benign or benign based on one or more of the following criteria: it is a conservative change, it occurs at a poorly conserved position in the protein, it is predicted to be benign by multiple in silico algorithms, and/or has population frequency not consistent with disease.

Eurofins Ntd Llc (ga)
Classification: Benign. Last evaluated: 2016-03-08. Review status: criteria provided, single submitter. Criteria: EGL Classification Definitions 2015. Collection method: clinical testing. Allele origin: germline. Observed: 6 variant alleles, 3 heterozygotes, 3 homozygotes.

Breakthrough Genomics
Classification: Benign. Review status: criteria provided, single submitter. Criteria: ACMG Guidelines, 2015. Collection method: not provided. Allele origin: germline. Inheritance: Autosomal recessive inheritance. Affected: yes.

Diagnostic Laboratory, Department of Genetics, University Medical Center Groningen
Classification: Benign. Review status: no assertion criteria provided. Collection method: clinical testing. Allele origin: germline. Affected: yes. Study: VKGL Data-share Consensus. Not counted in ClinVar's aggregate classification.

Joint Genome Diagnostic Labs from Nijmegen and Maastricht, Radboudumc and MUMC+
Classification: Benign. Review status: no assertion criteria provided. Collection method: clinical testing. Allele origin: germline. Affected: yes. Study: VKGL Data-share Consensus. Not counted in ClinVar's aggregate classification.